The following is an entry in ClinVar:

ClinVar aggregate classification (germline): Uncertain significance. Review status: criteria provided, multiple submitters, no conflicts (2 of 4 stars). 2 submissions from 2 submitters: Uncertain significance (2). Last evaluated 2022-09-20.

Conditions:
Spastic paraplegia. Identifiers: MedGen C0037772, HP:0001258.

Submissions (2):

Labcorp Genetics (formerly Invitae), Labcorp
Classification: Uncertain significance for Spastic paraplegia. Last evaluated: 2022-09-20. Review status: criteria provided, single submitter. Criteria: Invitae Variant Classification Sherloc (09022015). Collection method: clinical testing. Allele origin: germline.
Comment: Experimental studies and prediction algorithms are not available or were not evaluated, and the functional significance of this variant is currently unknown. In summary, the available evidence is currently insufficient to determine the role of this variant in disease. Therefore, it has been classified as a Variant of Uncertain Significance. ClinVar contains an entry for this variant (Variation ID: 1256095). This variant has not been reported in the literature in individuals affected with HSPD1-related conditions. This variant is present in population databases (no rsID available, gnomAD 0.01%). This variant, c.1701_1712del, results in the deletion of 4 amino acid(s) of the HSPD1 protein (p.Gly569_Met572del), but otherwise preserves the integrity of the reading frame.

Athena Diagnostics
Classification: Uncertain significance. Last evaluated: 2021-04-02. Review status: criteria provided, single submitter. Criteria: Athena Diagnostics criteria. Collection method: clinical testing. Allele origin: unknown.

NM_002156.5(HSPD1):c.1701_1712del (p.565GGGM[1])

Gene: HSPD1 (heat shock protein family D (Hsp60) member 1; minus strand). Cytogenetic location: 2q33.1.
Variant type: Deletion.
Coding change: c.1701_1712del on transcript NM_002156.5 (MANE Select); coding-DNA positions 1701 to 1712, 12 bases deleted (TATGGGAGGTGG).
Protein change: p.565GGGM[1].
Molecular consequence: inframe deletion.
Genome position (GRCh38, 1-based): chr2:197,487,056-197,487,067, CCACCTCCCATA deleted on the plus strand (TATGGGAGGTGG on the coding strand, the reverse complement: HSPD1 is on the minus strand); deleting any 12 consecutive bases within chr2:197,487,056-197,487,078 gives the same sequence; the c. name uses the placement nearest the transcript's 3' end. VCF-style (leftmost placement, unchanged base first): chr2-197487055-GCCACCTCCCATA-G. GRCh37 (hg19) VCF-style: chr2-198351779-GCCACCTCCCATA-G.
Other names: c.1701_1712del, p.565GGGM[1] (NM_199440.2).
Identifiers: ClinVar variation 1256095 (VCV001256095.6), dbSNP rs879486164, ClinGen allele CA538525922.